The following is an entry in ClinVar:

NM_015602.4(TOR1AIP1):c.173G>A (p.Arg58Lys)

Genes: TOR1AIP1 (torsin 1A interacting protein 1; plus strand), LOC112577517 (Sharpr-MPRA regulatory region 13766; plus strand). Cytogenetic location: 1q25.2.
Variant type: single nucleotide variant.
Coding change: c.173G>A on transcript NM_015602.4 (MANE Select); coding-DNA position 173, G replaced by A.
Protein change: p.Arg58Lys; replaces arginine 58 with lysine.
Molecular consequence: missense variant.
Genome position (GRCh38, 1-based): chr1:179,882,675, G>A. VCF-style: chr1-179882675-G-A. GRCh37 (hg19) VCF-style: chr1-179851810-G-A.
Other names: c.173G>A, p.Arg58Lys (NM_001267578.2); short protein forms R58K.
Identifiers: ClinVar variation 1002989 (VCV001002989.5), dbSNP rs1647752093, ClinGen allele CA343577769.

ClinVar aggregate classification (germline): Uncertain significance (1 of 4 stars; one submission).

Conditions:
Autosomal recessive limb-girdle muscular dystrophy type 2Y (MRRSDC). Also called: Muscular dystrophy, autosomal recessive, with rigid spine and distal joint contractures; Muscular dystrophy, limb-girdle, type 2y. Identifiers: Orphanet 424261, MedGen C4511482, MONDO:0014900, OMIM 617072.

Submission:

Labcorp Genetics (formerly Invitae), Labcorp
Classification: Uncertain significance for Autosomal recessive limb-girdle muscular dystrophy type 2Y. Last evaluated: 2020-06-10. Review status: criteria provided, single submitter. Criteria: Invitae Variant Classification Sherloc (09022015). Collection method: clinical testing. Allele origin: germline.
Comment: In summary, the available evidence is currently insufficient to determine the role of this variant in disease. Therefore, it has been classified as a Variant of Uncertain Significance. Algorithms developed to predict the effect of missense changes on protein structure and function are either unavailable or do not agree on the potential impact of this missense change (SIFT: "Deleterious"; PolyPhen-2: "Probably Damaging"; Align-GVGD: "Class C0"). This variant has not been reported in the literature in individuals with TOR1AIP1-related conditions. This variant is not present in population databases (ExAC no frequency). This sequence change replaces arginine with lysine at codon 58 of the TOR1AIP1 protein (p.Arg58Lys). The arginine residue is weakly conserved and there is a small physicochemical difference between arginine and lysine.